The following is an entry in ClinVar:

NM_138576.4(BCL11B):c.1003A>T (p.Met335Leu)

Gene: BCL11B (BCL11 transcription factor B; minus strand). Cytogenetic location: 14q32.2.
Variant type: single nucleotide variant.
Coding change: c.1003A>T on transcript NM_138576.4 (MANE Select); coding-DNA position 1003, A replaced by T.
Protein change: p.Met335Leu; replaces methionine 335 with leucine.
Molecular consequence: missense variant.
Genome position (GRCh38, 1-based): chr14:99,175,833, T>A on the plus strand (A>T on the coding strand, the complement: BCL11B is on the minus strand). VCF-style: chr14-99175833-T-A. GRCh37 (hg19) VCF-style: chr14-99642170-T-A.
Other names: c.1000A>T, p.Met334Leu (NM_001282237.2); c.787A>T, p.Met263Leu (NM_001282238.2); c.790A>T, p.Met264Leu (NM_022898.3); short protein forms M334L, M263L, M335L, M264L.
Identifiers: ClinVar variation 2832543 (VCV002832543.3), dbSNP rs1886500576, ClinGen allele CA390936318.
Genomic context (GRCh38, chr14:99,175,833, plus strand): 5'-CCATGGGGTTCAGGCGCATGACTCGGTCGAAGGCACTGGGGTGCTGGGCGACGAGCCCCA[T>A]CTCCTCGGCACTGAGGCGGTGCGGGTCCAGGTGGTGGCGCGGCGGGGGACTGAAGAGAGG-3'
Protein context (NP_612808.1, residues 325-345): LDPHRLSAEE[Met335Leu]GLVAQHPSAF

ClinVar aggregate classification (germline): Uncertain significance (1 of 4 stars; one submission).

Submission:

Labcorp Genetics (formerly Invitae), Labcorp
Classification: Uncertain significance. Last evaluated: 2023-11-27. Review status: criteria provided, single submitter. Criteria: Invitae Variant Classification Sherloc (09022015). Collection method: clinical testing. Allele origin: germline.
Comment: This sequence change replaces methionine, which is neutral and non-polar, with leucine, which is neutral and non-polar, at codon 335 of the BCL11B protein (p.Met335Leu). This variant is not present in population databases (gnomAD no frequency). This variant has not been reported in the literature in individuals affected with BCL11B-related conditions. Advanced modeling of protein sequence and biophysical properties (such as structural, functional, and spatial information, amino acid conservation, physicochemical variation, residue mobility, and thermodynamic stability) performed at Invitae indicates that this missense variant is not expected to disrupt BCL11B protein function with a negative predictive value of 80%. In summary, the available evidence is currently insufficient to determine the role of this variant in disease. Therefore, it has been classified as a Variant of Uncertain Significance.